The following is an entry in ClinVar:

ClinVar aggregate classification (germline): Uncertain significance (1 of 4 stars; one submission).

Conditions:
Hereditary cancer-predisposing syndrome. Also called: Neoplastic Syndromes, Hereditary; Tumor predisposition; Hereditary Cancer Syndrome; Hereditary neoplastic syndrome. Identifiers: Orphanet 140162, MedGen C0027672, MeSH D009386, MONDO:0015356.

Submission:

Ambry Genetics
Classification: Uncertain significance for Hereditary cancer-predisposing syndrome. Last evaluated: 2018-09-13. Review status: criteria provided, single submitter. Criteria: Ambry Variant Classification Scheme 2023. Collection method: clinical testing. Allele origin: germline.
Comment: The p.I550T variant (also known as c.1649T>C), located in coding exon 11 of the BRIP1 gene, results from a T to C substitution at nucleotide position 1649. The isoleucine at codon 550 is replaced by threonine, an amino acid with similar properties. This amino acid position is poorly conserved in available vertebrate species. In addition, this alteration is predicted to be tolerated by in silico analysis. Since supporting evidence is limited at this time, the clinical significance of this alteration remains unclear.

NM_032043.3(BRIP1):c.1649T>C (p.Ile550Thr)

Gene: BRIP1 (BRCA1 interacting DNA helicase 1; minus strand). Cytogenetic location: 17q23.2.
Variant type: single nucleotide variant.
Coding change: c.1649T>C on transcript NM_032043.3 (MANE Select); coding-DNA position 1649, T replaced by C.
Protein change: p.Ile550Thr; replaces isoleucine 550 with threonine.
Molecular consequence: missense variant.
Genome position (GRCh38, 1-based): chr17:61,780,985, A>G on the plus strand (T>C on the coding strand, the complement: BRIP1 is on the minus strand). VCF-style: chr17-61780985-A-G. GRCh37 (hg19) VCF-style: chr17-59858346-A-G.
Other names: short protein forms I550T.
Identifiers: ClinVar variation 819746 (VCV000819746.4), dbSNP rs1603334858, ClinGen allele CA400480544.